The following is an entry in ClinVar:

NM_001845.6(COL4A1):c.4354A>G (p.Ser1452Gly)

Gene: COL4A1 (collagen type IV alpha 1 chain; minus strand). Cytogenetic location: 13q34.
Variant type: single nucleotide variant.
Coding change: c.4354A>G on transcript NM_001845.6 (MANE Select); coding-DNA position 4354, A replaced by G.
Protein change: p.Ser1452Gly; replaces serine 1452 with glycine.
Molecular consequence: missense variant.
Genome position (GRCh38, 1-based): chr13:110,162,338, T>C on the plus strand (A>G on the coding strand, the complement: COL4A1 is on the minus strand). VCF-style: chr13-110162338-T-C. GRCh37 (hg19) VCF-style: chr13-110814685-T-C.
Other names: short protein forms S1452G.
Identifiers: ClinVar variation 1319024 (VCV001319024.2), dbSNP rs2139146183, ClinGen allele CA388658174.

ClinVar aggregate classification (germline): Uncertain significance (1 of 4 stars; one submission).

Submission:

GeneDx
Classification: Uncertain significance. Last evaluated: 2019-04-16. Review status: criteria provided, single submitter. Criteria: GeneDx Variant Classification Process June 2021. Collection method: clinical testing. Allele origin: germline. Affected: yes.
Comment: Not observed in large population cohorts (Lek et al., 2016); In silico analysis, which includes protein predictors and evolutionary conservation, supports a deleterious effect; Has not been previously published as pathogenic or benign to our knowledge